The following is an entry in ClinVar:

NM_006734.4(HIVEP2):c.116T>C (p.Phe39Ser)

Gene: HIVEP2 (HIVEP zinc finger 2; minus strand). Cytogenetic location: 6q24.2.
Variant type: single nucleotide variant.
Coding change: c.116T>C on transcript NM_006734.4 (MANE Select); coding-DNA position 116, T replaced by C.
Protein change: p.Phe39Ser; replaces phenylalanine 39 with serine.
Molecular consequence: missense variant.
Genome position (GRCh38, 1-based): chr6:142,774,623, A>G on the plus strand (T>C on the coding strand, the complement: HIVEP2 is on the minus strand). VCF-style: chr6-142774623-A-G. GRCh37 (hg19) VCF-style: chr6-143095760-A-G.
Other names: short protein forms F39S.
Identifiers: ClinVar variation 3650305 (VCV003650305.3).
Genomic context (GRCh38, chr6:142,774,623, plus strand): 5'-GCTGTGTTTCCGATTTGCTCAGGCTCTATTTGTGGTTGCCGCTGTCCTTCATGACTGCCA[A>G]AAGTGCTCATCTTAATAACAGCTGATTGTTCCTGTCTCCATCTACCTGATGCTTTATCAG-3'
Protein context (NP_006725.3, residues 29-49): EQSAVIKMST[Phe39Ser]GSHEGQRQPQ

ClinVar aggregate classification (germline): Uncertain significance. Review status: criteria provided, multiple submitters, no conflicts (2 of 4 stars). 2 submissions from 2 submitters: Uncertain significance (2). Last evaluated 2024-04-17.

gnomAD v4.1: 1 of 1,614,182 alleles (0.000062%); highest among the groups gnomAD compares: Non-Finnish European, 0.000085%; no homozygotes.

Submissions (2):

Labcorp Genetics (formerly Invitae), Labcorp
Classification: Uncertain significance. Last evaluated: 2024-04-17. Review status: criteria provided, single submitter. Criteria: Invitae Variant Classification Sherloc (09022015). Collection method: clinical testing. Allele origin: germline.
Comment: This sequence change replaces phenylalanine, which is neutral and non-polar, with serine, which is neutral and polar, at codon 39 of the HIVEP2 protein (p.Phe39Ser). This variant is not present in population databases (gnomAD no frequency). This variant has not been reported in the literature in individuals affected with HIVEP2-related conditions. Advanced modeling of protein sequence and biophysical properties (such as structural, functional, and spatial information, amino acid conservation, physicochemical variation, residue mobility, and thermodynamic stability) performed at Invitae indicates that this missense variant is not expected to disrupt HIVEP2 protein function with a negative predictive value of 80%. In summary, the available evidence is currently insufficient to determine the role of this variant in disease. Therefore, it has been classified as a Variant of Uncertain Significance.

Blueprint Genetics
Classification: Uncertain significance. Last evaluated: 2021-02-23. Review status: criteria provided, single submitter. Criteria: ACMG Guidelines, 2015. Collection method: clinical testing. Allele origin: germline.